The following is an entry in ClinVar:

ClinVar aggregate classification (germline): Uncertain significance (1 of 4 stars; one submission).

Conditions:
Dilated cardiomyopathy 1G (CMD1G). Identifiers: Orphanet 154, MedGen C1858763, MONDO:0011400, OMIM 604145.
Autosomal recessive limb-girdle muscular dystrophy type 2J (LGMDR10). Also called: Limb-girdle muscular dystrophy, type 2J; MUSCULAR DYSTROPHY, LIMB-GIRDLE, AUTOSOMAL RECESSIVE 10. Identifiers: Orphanet 140922, MedGen C1837342, MONDO:0012127, OMIM 608807.

Allele frequency attached by ClinVar (database versions not stated): gnomAD 0.00001; gnomAD exomes 0.00001 and 0.00002; ExAC 0.00003; 1000 Genomes Project 30x 0.00031; 1000 Genomes Project 0.00040.
gnomAD v4.1: 6 of 1,613,366 alleles (0.00037%); highest among the groups gnomAD compares: South Asian, 0.0055%; no homozygotes.

Submission:

Labcorp Genetics (formerly Invitae), Labcorp
Classification: Uncertain significance for Dilated cardiomyopathy 1G; Autosomal recessive limb-girdle muscular dystrophy type 2J. Last evaluated: 2024-02-26. Review status: criteria provided, single submitter. Criteria: Invitae Variant Classification Sherloc (09022015). Collection method: clinical testing. Allele origin: germline.
Comment: This sequence change replaces valine, which is neutral and non-polar, with methionine, which is neutral and non-polar, at codon 13043 of the TTN protein (p.Val13043Met). This variant also falls at the last nucleotide of exon 202, which is part of the consensus splice site for this exon. This variant is present in population databases (rs560962534, gnomAD 0.01%). This variant has not been reported in the literature in individuals affected with TTN-related conditions. ClinVar contains an entry for this variant (Variation ID: 1044886). Experimental studies and prediction algorithms are not available or were not evaluated, and the functional significance of this variant is currently unknown. Variants that disrupt the consensus splice site are a relatively common cause of aberrant splicing (PMID: 17576681, 9536098). Algorithms developed to predict the effect of sequence changes on RNA splicing suggest that this variant may disrupt the consensus splice site. This variant is located in the I band of TTN (PMID: 25589632). Non-truncating variants in this region may be clinically relevant, but have not been definitively shown to cause cardiomyopathy or neuromuscular disease (PMID: 27493940, 32778822). In summary, the available evidence is currently insufficient to determine the role of this variant in disease. Therefore, it has been classified as a Variant of Uncertain Significance.

Literature cited by the submitters: PubMed 17576681; PubMed 9536098; PubMed 25589632; PubMed 27493940; PubMed 32778822.

NM_001267550.2(TTN):c.39127G>A (p.Val13043Met)

Gene: TTN (titin; minus strand). Cytogenetic location: 2q31.2.
Variant type: single nucleotide variant.
Coding change: c.39127G>A on transcript NM_001267550.2 (MANE Select); coding-DNA position 39127, G replaced by A.
Protein change: p.Val13043Met; replaces valine 13043 with methionine.
Molecular consequence: missense variant. On other transcripts: intron variant (3).
Genome position (GRCh38, 1-based): chr2:178,652,458, C>T on the plus strand (G>A on the coding strand, the complement: TTN is on the minus strand). VCF-style: chr2-178652458-C-T. GRCh37 (hg19) VCF-style: chr2-179517185-C-T.
Other names: c.34606G>A, p.Val11536Met (NM_001256850.1); c.31825G>A, p.Val10609Met (NM_133378.4); c.13283-10141G>A (NM_003319.4); c.13859-10141G>A (NM_133437.4); c.13658-10141G>A (NM_133432.3); short protein forms V10609M, V11536M, V13043M.
Identifiers: ClinVar variation 1044886 (VCV001044886.7), dbSNP rs560962534, ClinGen allele CA1996862.